The following is an entry in ClinVar:

ClinVar aggregate classification (germline): Conflicting classifications of pathogenicity. Review status: criteria provided, conflicting classifications (1 of 4 stars). 2 submissions from 2 submitters: Pathogenic (1); Uncertain significance (1). Last evaluated 2023-09-29.

Conditions:
Glycogen storage disease type III (GSD3). Also called: Cori disease; FORBES DISEASE. Identifiers: Orphanet 366, MedGen C0017922, MONDO:0009291, OMIM 232400.

Submissions (2):

GeneDx
Classification: Pathogenic. Last evaluated: 2023-09-29. Review status: criteria provided, single submitter. Criteria: GeneDx Variant Classification Process June 2021. Collection method: clinical testing. Allele origin: germline. Affected: yes.
Comment: Not observed at significant frequency in large population cohorts (gnomAD); In-frame deletion of 3 amino acids and insertion of 5 amino acids in a non-repeat region; In silico analysis supports a deleterious effect on protein structure/function; This variant is associated with the following publications: (PMID: 26913919)

Labcorp Genetics (formerly Invitae), Labcorp
Classification: Uncertain significance for Glycogen storage disease type III. Last evaluated: 2018-12-17. Review status: criteria provided, single submitter. Criteria: Invitae Variant Classification Sherloc (09022015). Collection method: clinical testing. Allele origin: germline.
Comment: This variant, c.2711_2717delins13, is a complex sequence change that results in the deletion of 3 and insertion of 5 amino acids of the AGL protein (p.Gln904_906delinsProLysAspLeuMet). This variant is not present in population databases (ExAC no frequency). This variant has been observed as homozygous or in combination with another AGL variant in individuals suspected with glycogen storage disease (PMID: 26913919, Invitae). Experimental studies and prediction algorithms are not available for this variant, and the functional significance of the affected amino acid(s) is currently unknown. In summary, the available evidence is currently insufficient to determine the role of this variant in disease. Therefore, it has been classified as a Variant of Uncertain Significance.

Literature cited by the submitters: PubMed 26913919 (cited by Labcorp Genetics (formerly Invitae), Labcorp).

NM_000642.3(AGL):c.2711_2717delinsCAAAGGATCTGAT (p.Leu904_Gln906delinsProLysAspLeuMet)

Gene: AGL (amylo-alpha-1,6-glucosidase and 4-alpha-glucanotransferase; plus strand). Cytogenetic location: 1p21.2.
Variant type: Indel.
Coding change: c.2711_2717delinsCAAAGGATCTGAT on transcript NM_000642.3 (MANE Select); coding-DNA positions 2711 to 2717, TAAATCA replaced by CAAAGGATCTGAT.
Protein change: p.Leu904_Gln906delinsProLysAspLeuMet.
Molecular consequence: inframe indel.
Genome position (GRCh38, 1-based): chr1:99,888,007-99,888,013, TAAATCA replaced by CAAAGGATCTGAT. VCF-style: chr1-99888007-TAAATCA-CAAAGGATCTGAT. GRCh37 (hg19) VCF-style: chr1-100353563-TAAATCA-CAAAGGATCTGAT.
Other names: c.2333_2339delTAAATCAinsCAAAGGATCTGAT, p.Leu778_Gln780delinsProLysAspLeuMet (NM_001425332.1); c.2711_2717delTAAATCAinsCAAAGGATCTGAT, p.Leu904_Gln906delinsProLysAspLeuMet (NM_000028.3, NM_000643.3, NM_000644.3 and 2 more transcripts); c.2663_2669delTAAATCAinsCAAAGGATCTGAT, p.Leu888_Gln890delinsProLysAspLeuMet (NM_000646.3); c.2510_2516delTAAATCAinsCAAAGGATCTGAT, p.Leu837_Gln839delinsProLysAspLeuMet (NM_001425327.1); c.2507_2513delTAAATCAinsCAAAGGATCTGAT, p.Leu836_Gln838delinsProLysAspLeuMet (NM_001425328.1); c.2372_2378delTAAATCAinsCAAAGGATCTGAT, p.Leu791_Gln793delinsProLysAspLeuMet (NM_001425329.1).
Identifiers: ClinVar variation 655454 (VCV000655454.2), dbSNP rs1288036533, ClinGen allele CA915941353.